The following is an entry in ClinVar:

NM_001303256.3(MORC2):c.2759G>A (p.Arg920Gln)

Gene: MORC2 (MORC family CW-type zinc finger 2; minus strand). Cytogenetic location: 22q12.2.
Variant type: single nucleotide variant.
Coding change: c.2759G>A on transcript NM_001303256.3 (MANE Select); coding-DNA position 2759, G replaced by A.
Protein change: p.Arg920Gln; replaces arginine 920 with glutamine.
Molecular consequence: missense variant.
Genome position (GRCh38, 1-based): chr22:30,932,441, C>T on the plus strand (G>A on the coding strand, the complement: MORC2 is on the minus strand). VCF-style: chr22-30932441-C-T. GRCh37 (hg19) VCF-style: chr22-31328428-C-T.
Other names: c.2759G>A (NM_001303256.2); c.2759G>A, p.Arg920Gln (NM_001303257.2); c.2573G>A, p.Arg858Gln (NM_014941.3); short protein forms R858Q, R920Q.
Identifiers: ClinVar variation 1690531 (VCV001690531.8), dbSNP rs762057484, ClinGen allele CA10186555.

ClinVar aggregate classification (germline): Uncertain significance. Review status: criteria provided, multiple submitters, no conflicts (2 of 4 stars). 3 submissions from 3 submitters: Uncertain significance (3). Last evaluated 2025-11-06.

Conditions:
MORC2-related disorder. Also called: MORC2-related condition.
Charcot-Marie-Tooth disease axonal type 2Z. Also called: CHARCOT-MARIE-TOOTH DISEASE, AXONAL, AUTOSOMAL DOMINANT, TYPE 2Z; CHARCOT-MARIE-TOOTH NEUROPATHY, TYPE 2Z. Identifiers: Orphanet 466768, MedGen C5569025, MONDO:0014736, OMIM 616688.

Allele frequency attached by ClinVar (database versions not stated): gnomAD exomes below 0.00001; ExAC 0.00001.
gnomAD v4.1: 1 of 1,613,898 alleles (0.000062%); no homozygotes.

Submissions (3):

PreventionGenetics, part of Exact Sciences
Classification: Uncertain significance for MORC2-related condition. Last evaluated: 2025-11-06. Review status: criteria provided, single submitter. Criteria: ACMG Guidelines, 2015. Collection method: clinical testing. Allele origin: germline.
Comment: The MORC2 c.2759G>A variant is predicted to result in the amino acid substitution p.Arg920Gln. To our knowledge, this variant has not been reported in the literature. This variant is reported in 0.0046% of alleles in individuals of European (Finnish) descent in gnomAD. At this time, the clinical significance of this variant is uncertain due to the absence of conclusive functional and genetic evidence.

Labcorp Genetics (formerly Invitae), Labcorp
Classification: Uncertain significance for Charcot-Marie-Tooth disease axonal type 2Z. Last evaluated: 2022-09-13. Review status: criteria provided, single submitter. Criteria: Invitae Variant Classification Sherloc (09022015). Collection method: clinical testing. Allele origin: germline.
Comment: In summary, the available evidence is currently insufficient to determine the role of this variant in disease. Therefore, it has been classified as a Variant of Uncertain Significance. Advanced modeling of protein sequence and biophysical properties (such as structural, functional, and spatial information, amino acid conservation, physicochemical variation, residue mobility, and thermodynamic stability) performed at Invitae indicates that this missense variant is not expected to disrupt MORC2 protein function. ClinVar contains an entry for this variant (Variation ID: 1690531). This variant has not been reported in the literature in individuals affected with MORC2-related conditions. This variant is present in population databases (rs762057484, gnomAD 0.004%). This sequence change replaces arginine, which is basic and polar, with glutamine, which is neutral and polar, at codon 920 of the MORC2 protein (p.Arg920Gln).

Laboratorio de Genetica e Diagnostico Molecular, Hospital Israelita Albert Einstein
Classification: Uncertain significance. Last evaluated: 2021-12-27. Review status: criteria provided, single submitter. Criteria: ACMG Guidelines, 2015. Collection method: clinical testing. Allele origin: germline. Affected: yes.
Comment: ACMG classification criteria: PM2, BP4